The following is an entry in ClinVar:

ClinVar aggregate classification (germline): Uncertain significance. Review status: criteria provided, multiple submitters, no conflicts (2 of 4 stars). 2 submissions from 2 submitters: Uncertain significance (2). Last evaluated 2023-02-20.

Allele frequency attached by ClinVar (database versions not stated): gnomAD 0.00002; TOPMed 0.00002.
gnomAD v4.1: 17 of 1,551,578 alleles (0.0011%); highest among the groups gnomAD compares: African/African-American, 0.012%; no homozygotes.

Submissions (2):

GeneDx
Classification: Uncertain significance. Last evaluated: 2023-02-20. Review status: criteria provided, single submitter. Criteria: GeneDx Variant Classification Process June 2021. Collection method: clinical testing. Allele origin: germline. Affected: yes.
Comment: In silico analysis supports that this missense variant does not alter protein structure/function; Has not been previously published as pathogenic or benign to our knowledge

Ambry Genetics
Classification: Uncertain significance. Last evaluated: 2021-07-09. Review status: criteria provided, single submitter. Criteria: Ambry Variant Classification Scheme 2023. Collection method: clinical testing. Allele origin: germline.

NM_001367479.1(DNAH14):c.13576G>A (p.Glu4526Lys)

Gene: DNAH14 (dynein axonemal heavy chain 14; plus strand). Cytogenetic location: 1q42.12.
Variant type: single nucleotide variant.
Coding change: c.13576G>A on transcript NM_001367479.1 (MANE Select); coding-DNA position 13576, G replaced by A.
Protein change: p.Glu4526Lys; replaces glutamic acid 4526 with lysine.
Molecular consequence: missense variant.
Genome position (GRCh38, 1-based): chr1:225,398,604, G>A. VCF-style: chr1-225398604-G-A. GRCh37 (hg19) VCF-style: chr1-225586306-G-A.
Other names: NM_001373.1:c.13270G>A; short protein forms E4526K.
Identifiers: ClinVar variation 2393275 (VCV002393275.3), dbSNP rs1358734299, ClinGen allele CA344990906.